The following is an entry in ClinVar:

NM_017837.4(PIGV):c.1111G>A (p.Asp371Asn)

Gene: PIGV (phosphatidylinositol glycan anchor biosynthesis class V; plus strand). Cytogenetic location: 1p36.11.
Variant type: single nucleotide variant.
Coding change: c.1111G>A on transcript NM_017837.4 (MANE Select); coding-DNA position 1111, G replaced by A.
Protein change: p.Asp371Asn; replaces aspartic acid 371 with asparagine.
Molecular consequence: missense variant. On other transcripts: non-coding transcript variant (1), intron variant (1).
Genome position (GRCh38, 1-based): chr1:26,795,145, G>A. VCF-style: chr1-26795145-G-A. GRCh37 (hg19) VCF-style: chr1-27121636-G-A.
Other names: c.1111G>A, p.Asp371Asn (NM_001202554.2, NM_001374478.1, NM_001374480.1 and 2 more transcripts); c.730G>A, p.Asp244Asn (NM_001374483.1); c.484G>A, p.Asp162Asn (NM_001374484.1, NM_001374485.1); c.79-2418G>A (NM_001374486.1); short protein forms D371N, D162N, D244N.
Identifiers: ClinVar variation 1363085 (VCV001363085.5), dbSNP rs764074675, ClinGen allele CA708168.
Genomic context (GRCh38, chr1:26,795,145, plus strand): 5'-TGGCTCTGCCTTACACTTGGGCTGCAAAGGAGCAAGAACAATAAGACCCTAGAGAAGCCC[G>A]ATCTTGGATTCCTCAGTCCTCAGGTGTTTGTGTACGTGGTCCACGCTGCAGTGCTGCTGC-3'
Protein context (NP_060307.2, residues 361-381): SKNNKTLEKP[Asp371Asn]LGFLSPQVFV

ClinVar aggregate classification (germline): Uncertain significance (1 of 4 stars; one submission).

Allele frequency attached by ClinVar (database versions not stated): ExAC 0.00002; TOPMed 0.00003.
gnomAD v4.1: 5 of 1,614,054 alleles (0.00031%); highest among the groups gnomAD compares: South Asian, 0.0033%; no homozygotes.

Submission:

Labcorp Genetics (formerly Invitae), Labcorp
Classification: Uncertain significance. Last evaluated: 2022-08-21. Review status: criteria provided, single submitter. Criteria: Invitae Variant Classification Sherloc (09022015). Collection method: clinical testing. Allele origin: germline.
Comment: This sequence change replaces aspartic acid, which is acidic and polar, with asparagine, which is neutral and polar, at codon 371 of the PIGV protein (p.Asp371Asn). This variant is present in population databases (rs764074675, gnomAD 0.01%). This variant has not been reported in the literature in individuals affected with PIGV-related conditions. ClinVar contains an entry for this variant (Variation ID: 1363085). Algorithms developed to predict the effect of missense changes on protein structure and function output the following: SIFT: "Tolerated"; PolyPhen-2: "Benign"; Align-GVGD: "Class C0". The asparagine amino acid residue is found in multiple mammalian species, which suggests that this missense change does not adversely affect protein function. In summary, the available evidence is currently insufficient to determine the role of this variant in disease. Therefore, it has been classified as a Variant of Uncertain Significance.